The following is an entry in ClinVar:

ClinVar aggregate classification (germline): Conflicting classifications of pathogenicity. Review status: criteria provided, conflicting classifications (1 of 4 stars). 8 submissions from 8 submitters: Uncertain significance (1); Benign (3); Likely benign (4). Last evaluated 2026-01-25.

Conditions:
Diamond-Blackfan anemia. Also called: Blackfan Diamond syndrome; Aregenerative anemia chronic congenital; Red cell aplasia, pure hereditary; Congenital hypoplastic anemia; Aase syndrome. Identifiers: Orphanet 124, MedGen C1260899, MeSH D029503, MONDO:0015253, HP:0004810.
Diamond-Blackfan anemia 6 (DBA6). Also called: RPL5-Related Diamond-Blackfan Anemia. Identifiers: Orphanet 124, MedGen C2931850, MONDO:0012937, OMIM 612561.

Allele frequency attached by ClinVar (database versions not stated): gnomAD 0.00161 and 0.00169; 1000 Genomes Project 0.00120; ExAC 0.00135; TOPMed 0.00176; 1000 Genomes Project 30x 0.00109; gnomAD exomes 0.00137 and 0.00244; ESP Exome Variant Server 0.00161.
gnomAD v4.1: 3,805 of 1,611,072 alleles (0.24%); highest among the groups gnomAD compares: Non-Finnish European, 0.3%; 8 homozygotes.

Submissions (19):

Labcorp Genetics (formerly Invitae), Labcorp
Classification: Benign for Diamond-Blackfan anemia. Last evaluated: 2026-01-25. Review status: criteria provided, single submitter. Criteria: Invitae Variant Classification Sherloc (09022015). Collection method: clinical testing. Allele origin: germline.

Blueprint Genetics
Classification: Likely benign. Last evaluated: 2024-11-23. Review status: criteria provided, single submitter. Criteria: ACMG Guidelines, 2015. Collection method: clinical testing. Allele origin: germline.

ARUP Laboratories, Molecular Genetics and Genomics, ARUP Laboratories
Classification: Likely benign for Diamond-Blackfan anemia 6. Last evaluated: 2024-01-12. Review status: criteria provided, single submitter. Criteria: ARUP Molecular Germline Variant Investigation Process 2024. Collection method: clinical testing. Allele origin: germline.

CeGaT Center for Human Genetics Tuebingen
Classification: Benign. Last evaluated: 2022-03-01. Review status: criteria provided, single submitter. Criteria: CeGaT Center For Human Genetics Tuebingen Variant Classification Criteria Version 2. Collection method: clinical testing. Allele origin: germline. Affected: yes. Observed: 1 variant allele.
Comment: RPL5: BS1, BS2

GeneDx
Classification: Likely benign. Last evaluated: 2020-08-05. Review status: criteria provided, single submitter. Criteria: GeneDx Variant Classification Process June 2021. Collection method: clinical testing. Allele origin: germline. Affected: yes.

Genetic Services Laboratory, University of Chicago
Classification: Uncertain significance. Last evaluated: 2018-01-24. Review status: criteria provided, single submitter. Criteria: ACMG Guidelines, 2015. Collection method: clinical testing. Allele origin: germline. Affected: no.

Illumina Laboratory Services, Illumina
Classification: Benign for Diamond-Blackfan anemia 6. Last evaluated: 2018-01-13. Review status: criteria provided, single submitter. Criteria: ICSL Variant Classification Criteria 13 December 2019. Collection method: clinical testing. Allele origin: germline.
Comment: This variant was observed in the ICSL laboratory as part of a predisposition screen in an ostensibly healthy population. It had not been previously curated by ICSL or reported in the Human Gene Mutation Database (HGMD: prior to June 1st, 2018), and was therefore a candidate for classification through an automated scoring system. Utilizing variant allele frequency, disease prevalence and penetrance estimates, and inheritance mode, an automated score was calculated to assess if this variant is too frequent to cause the disease. Based on the score and internal cut-off values, a variant classified as benign is not then subjected to further curation. The score for this variant resulted in a classification of benign for this disease.

Ambry Genetics
Classification: Likely benign for Diamond-Blackfan anemia. Last evaluated: 2017-01-05. Review status: criteria provided, single submitter. Criteria: Ambry Variant Classification Scheme 2023. Collection method: clinical testing. Allele origin: germline.

Dr. Peter K. Rogan Lab, Western University
No classification provided (evidence only). Condition: Lung cancer. Review status: no classification provided. Collection method: in vitro. Allele origin: not applicable. Functional consequence: retained intron. Not counted in ClinVar's aggregate classification.

Dr. Peter K. Rogan Lab, Western University
No classification provided (evidence only). Condition: Familial cancer of breast. Review status: no classification provided. Collection method: in vitro. Allele origin: not applicable. Functional consequence: retained intron. Not counted in ClinVar's aggregate classification.

Dr. Peter K. Rogan Lab, Western University
No classification provided (evidence only). Condition: Familial cancer of breast. Review status: no classification provided. Collection method: in vitro. Allele origin: not applicable. Functional consequence: retained intron. Not counted in ClinVar's aggregate classification.

Dr. Peter K. Rogan Lab, Western University
No classification provided (evidence only). Condition: Familial cancer of breast. Review status: no classification provided. Collection method: in vitro. Allele origin: not applicable. Functional consequence: retained intron. Not counted in ClinVar's aggregate classification.

Dr. Peter K. Rogan Lab, Western University
No classification provided (evidence only). Condition: Acute myeloid leukemia. Review status: no classification provided. Collection method: in vitro. Allele origin: not applicable. Functional consequence: retained intron. Not counted in ClinVar's aggregate classification.

Dr. Peter K. Rogan Lab, Western University
No classification provided (evidence only). Condition: Acute myeloid leukemia. Review status: no classification provided. Collection method: in vitro. Allele origin: not applicable. Functional consequence: retained intron. Not counted in ClinVar's aggregate classification.

Dr. Peter K. Rogan Lab, Western University
No classification provided (evidence only). Condition: Uterine corpus endometrial carcinoma. Review status: no classification provided. Collection method: in vitro. Allele origin: not applicable. Functional consequence: retained intron. Not counted in ClinVar's aggregate classification.

Dr. Peter K. Rogan Lab, Western University
No classification provided (evidence only). Condition: Sarcoma. Review status: no classification provided. Collection method: in vitro. Allele origin: not applicable. Functional consequence: retained intron. Not counted in ClinVar's aggregate classification.

Dr. Peter K. Rogan Lab, Western University
No classification provided (evidence only). Condition: Sarcoma. Review status: no classification provided. Collection method: in vitro. Allele origin: not applicable. Functional consequence: skipped exon, retained intron. Not counted in ClinVar's aggregate classification.

Dr. Peter K. Rogan Lab, Western University
No classification provided (evidence only). Condition: Thymoma. Review status: no classification provided. Collection method: in vitro. Allele origin: not applicable. Functional consequence: retained intron. Not counted in ClinVar's aggregate classification.

Dr. Peter K. Rogan Lab, Western University
No classification provided (evidence only). Condition: Thymoma. Review status: no classification provided. Collection method: in vitro. Allele origin: not applicable. Functional consequence: retained intron. Not counted in ClinVar's aggregate classification.

NM_000969.5(RPL5):c.325-11T>G

Genes: DIPK1A (divergent protein kinase domain 1A; minus strand), RPL5 (ribosomal protein L5; plus strand). Cytogenetic location: 1p22.1.
Variant type: single nucleotide variant.
Coding change: c.325-11T>G on transcript NM_000969.5 (MANE Select); 11 bases into the intron before coding-DNA position 325, T replaced by G.
Molecular consequence: intron variant.
Genome position (GRCh38, 1-based): chr1:92,836,179, T>G. VCF-style: chr1-92836179-T-G. GRCh37 (hg19) VCF-style: chr1-93301736-T-G.
Other names: c.475-3145A>C (NM_001252273.2).
Identifiers: ClinVar variation 298210 (VCV000298210.45), dbSNP rs145058455, ClinGen allele CA952446.